The following is an entry in ClinVar:

ClinVar aggregate classification (germline): Conflicting classifications of pathogenicity. Review status: criteria provided, conflicting classifications (1 of 4 stars). 2 submissions from 2 submitters: Uncertain significance (1); Likely benign (1). Last evaluated 2025-10-01.

Conditions:
Noonan syndrome and Noonan-related syndrome. Identifiers: Orphanet 98733, MedGen C5681679, MONDO:0020297.

gnomAD v4.1: 1 of 1,611,358 alleles (0.000062%); highest among the groups gnomAD compares: Non-Finnish European, 0.000085%; no homozygotes.

Submissions (2):

CeGaT Center for Human Genetics Tuebingen
Classification: Likely benign. Last evaluated: 2025-10-01. Review status: criteria provided, single submitter. Criteria: CeGaT Center For Human Genetics Tuebingen Variant Classification Criteria Version 2. Collection method: clinical testing. Allele origin: germline. Affected: yes. Observed: 1 variant allele.
Comment: SOS1: BP4, BP7

Genome Diagnostics Laboratory, The Hospital for Sick Children
Classification: Uncertain significance for Noonan syndrome and Noonan-related syndrome. Last evaluated: 2018-08-01. Review status: criteria provided, single submitter. Criteria: ACMG Guidelines, 2015. Collection method: clinical testing. Allele origin: germline.

NM_005633.4(SOS1):c.2832C>T (p.Asn944=)

Gene: SOS1 (SOS Ras/Rac guanine nucleotide exchange factor 1; minus strand). Cytogenetic location: 2p22.1.
Variant type: single nucleotide variant.
Coding change: c.2832C>T on transcript NM_005633.4 (MANE Select); coding-DNA position 2832, C replaced by T.
Protein change: p.Asn944=; no amino-acid change (asparagine 944 retained).
Molecular consequence: synonymous variant.
Genome position (GRCh38, 1-based): chr2:38,997,385, G>A on the plus strand (C>T on the coding strand, the complement: SOS1 is on the minus strand). VCF-style: chr2-38997385-G-A. GRCh37 (hg19) VCF-style: chr2-39224526-G-A.
Other names: c.2811C>T, p.Asn937= (NM_001382394.1); c.2832C>T, p.Asn944= (NM_001382395.1).
Identifiers: ClinVar variation 1334291 (VCV001334291.9), dbSNP rs868472772, ClinGen allele CA425729040.